The following is an entry in ClinVar:

NM_000836.4(GRIN2D):c.973G>A (p.Ala325Thr)

Gene: GRIN2D (glutamate ionotropic receptor NMDA type subunit 2D; plus strand). Cytogenetic location: 19q13.33.
Variant type: single nucleotide variant.
Coding change: c.973G>A on transcript NM_000836.4 (MANE Select); coding-DNA position 973, G replaced by A.
Protein change: p.Ala325Thr; replaces alanine 325 with threonine.
Molecular consequence: missense variant.
Genome position (GRCh38, 1-based): chr19:48,405,241, G>A. VCF-style: chr19-48405241-G-A. GRCh37 (hg19) VCF-style: chr19-48908498-G-A.
Other names: short protein forms A325T.
Identifiers: ClinVar variation 1369665 (VCV001369665.6), dbSNP rs1424713872, ClinGen allele CA406693042.

ClinVar aggregate classification (germline): Uncertain significance (1 of 4 stars; one submission).

Allele frequency attached by ClinVar (database versions not stated): gnomAD 0.00003; TOPMed 0.00003.
gnomAD v4.1: 5 of 1,597,312 alleles (0.00031%); highest among the groups gnomAD compares: African/African-American, 0.0053%; no homozygotes.

Submission:

Labcorp Genetics (formerly Invitae), Labcorp
Classification: Uncertain significance. Last evaluated: 2022-03-02. Review status: criteria provided, single submitter. Criteria: Invitae Variant Classification Sherloc (09022015). Collection method: clinical testing. Allele origin: germline.
Comment: In summary, the available evidence is currently insufficient to determine the role of this variant in disease. Therefore, it has been classified as a Variant of Uncertain Significance. Algorithms developed to predict the effect of missense changes on protein structure and function are either unavailable or do not agree on the potential impact of this missense change (SIFT: "Tolerated"; PolyPhen-2: "Possibly Damaging"; Align-GVGD: "Class C0"). This variant has not been reported in the literature in individuals affected with GRIN2D-related conditions. This variant is present in population databases (no rsID available, gnomAD 0.005%). This sequence change replaces alanine, which is neutral and non-polar, with threonine, which is neutral and polar, at codon 325 of the GRIN2D protein (p.Ala325Thr).